The following is an entry in ClinVar:

NM_020376.4(PNPLA2):c.1487_1504del (p.Arg496_Ala501del)

Gene: PNPLA2 (patatin like domain 2, triacylglycerol lipase; plus strand). Cytogenetic location: 11p15.5.
Variant type: Deletion.
Coding change: c.1487_1504del on transcript NM_020376.4 (MANE Select); coding-DNA positions 1487 to 1504, 18 bases deleted (GGCCCGTGATCGGGGCCC).
Protein change: p.Arg496_Ala501del.
Molecular consequence: inframe deletion.
Genome position (GRCh38, 1-based): chr11:824,834-824,851, GGCCCGTGATCGGGGCCC deleted; deleting any 18 consecutive bases within chr11:824,829-824,851 gives the same sequence; the c. name uses the placement nearest the transcript's 3' end. VCF-style (leftmost placement, unchanged base first): chr11-824828-AGGCCCGGCCCGTGATCGG-A. GRCh37 (hg19) VCF-style: chr11-824828-AGGCCCGGCCCGTGATCGG-A.
Other names: c.1487_1504del (NM_020376.3); c.1482_1499del (NM_020376.4).
Identifiers: ClinVar variation 465787 (VCV000465787.9), dbSNP rs747915336, ClinGen allele CA5791425.

ClinVar aggregate classification (germline): Uncertain significance. Review status: criteria provided, multiple submitters, no conflicts (2 of 4 stars). 2 submissions from 2 submitters: Uncertain significance (2). Last evaluated 2025-09-01.

Conditions:
Neutral lipid storage myopathy (NLSDM). Also called: NEUTRAL LIPID STORAGE DISEASE WITHOUT ICHTHYOSIS. Identifiers: Orphanet 98908, MedGen C1853136, MONDO:0012545, OMIM 610717.

Submissions (2):

Labcorp Genetics (formerly Invitae), Labcorp
Classification: Uncertain significance for Neutral lipid storage myopathy. Last evaluated: 2025-09-01. Review status: criteria provided, single submitter. Criteria: Invitae Variant Classification Sherloc (09022015). Collection method: clinical testing. Allele origin: germline.
Comment: This variant, c.1487_1504del, results in the deletion of 6 amino acid(s) of the PNPLA2 protein (p.Arg496_Ala501del), but otherwise preserves the integrity of the reading frame. This variant is present in population databases (rs747915336, gnomAD 0.01%). This variant has not been reported in the literature in individuals affected with PNPLA2-related conditions. ClinVar contains an entry for this variant (Variation ID: 465787). Experimental studies and prediction algorithms are not available or were not evaluated, and the functional significance of this variant is currently unknown. In summary, the available evidence is currently insufficient to determine the role of this variant in disease. Therefore, it has been classified as a Variant of Uncertain Significance.

Laboratorio de Genetica e Diagnostico Molecular, Hospital Israelita Albert Einstein
Classification: Uncertain significance. Last evaluated: 2021-09-16. Review status: criteria provided, single submitter. Criteria: ACMG Guidelines, 2015. Collection method: clinical testing. Allele origin: germline. Affected: yes.
Comment: ACMG classification criteria: PM2, PM4